The following is an entry in ClinVar:

ClinVar aggregate classification (germline): Pathogenic/Likely pathogenic. Review status: criteria provided, multiple submitters, no conflicts (2 of 4 stars). 3 submissions from 3 submitters: Pathogenic (2); Likely pathogenic (1). Last evaluated 2024-08-14.

Conditions:
Neurometabolic disorder due to serine deficiency. Identifiers: Orphanet 35705, MedGen C5680148, MONDO:0018162.
PHGDH deficiency. Identifiers: Orphanet 79351, MedGen C1866174, MONDO:0011152, OMIM 601815.

Allele frequency attached by ClinVar (database versions not stated): gnomAD exomes below 0.00001 and 0.00001.
gnomAD v4.1: 4 of 1,614,194 alleles (0.00025%); highest among the groups gnomAD compares: Non-Finnish European, 0.00034%; no homozygotes.

Submissions (3):

Natera, Inc.
Classification: Likely pathogenic for Phosphoglycerate dehydrogenase deficiency. Last evaluated: 2024-08-14. Review status: criteria provided, single submitter. Criteria: Natera Variant Classification Schema (03/2026). Collection method: clinical testing. Allele origin: germline.
Comment: The c.889G>T variant in PHGDH is a nonsense variant predicted to introduce a stop codon at amino acid 297. This variant is expected to result in nonsense mediated decay, truncation, or a dysfunctional protein product. This variant is rare in the general population with a frequency below the threshold expected for the associated phenotype(s). Given the available evidence, this variant is classified as Likely Pathogenic.

Myriad Genetics, Inc.
Classification: Pathogenic for Neurometabolic disorder due to serine deficiency. Last evaluated: 2024-05-14. Review status: criteria provided, single submitter. Criteria: Myriad Autosomal Dominant, Autosomal Recessive and X-Linked Classification Criteria (2023). Collection method: clinical testing. Allele origin: unknown.
Comment: NM_006623.3(PHGDH):c.889G>T(E297*) is expected to be pathogenic in the context of serine deficiency disorder, PHGDH-related. This variant is predicted to lead to an abnormal or absent protein product due to the creation of a premature termination codon in PHGDH, a gene where loss-of-function variants are known to be pathogenic. Please note: this variant was assessed in the context of healthy population screening.

Labcorp Genetics (formerly Invitae), Labcorp
Classification: Pathogenic for PHGDH deficiency. Last evaluated: 2022-04-08. Review status: criteria provided, single submitter. Criteria: Invitae Variant Classification Sherloc (09022015). Collection method: clinical testing. Allele origin: germline.
Comment: This sequence change creates a premature translational stop signal (p.Glu297*) in the PHGDH gene. It is expected to result in an absent or disrupted protein product. Loss-of-function variants in PHGDH are known to be pathogenic (PMID: 14645240, 24836451). This variant is present in population databases (no rsID available, gnomAD 0.0009%). This variant has not been reported in the literature in individuals affected with PHGDH-related conditions. Algorithms developed to predict the effect of sequence changes on RNA splicing suggest that this variant may create or strengthen a splice site. For these reasons, this variant has been classified as Pathogenic.

Literature cited by the submitters: PubMed 14645240 (cited by Labcorp Genetics (formerly Invitae), Labcorp); PubMed 24836451 (cited by Labcorp Genetics (formerly Invitae), Labcorp).

NM_006623.4(PHGDH):c.889G>T (p.Glu297Ter)

Gene: PHGDH (phosphoglycerate dehydrogenase; plus strand). Cytogenetic location: 1p12.
Variant type: single nucleotide variant.
Coding change: c.889G>T on transcript NM_006623.4 (MANE Select); coding-DNA position 889, G replaced by T.
Protein change: p.Glu297Ter; replaces glutamic acid 297 with a stop codon.
Molecular consequence: nonsense.
Genome position (GRCh38, 1-based): chr1:119,737,210, G>T. VCF-style: chr1-119737210-G-T. GRCh37 (hg19) VCF-style: chr1-120279833-G-T.
Other names: c.889G>T (NM_006623.3); short protein forms E297*.
Identifiers: ClinVar variation 1456212 (VCV001456212.8), dbSNP rs1489498331, ClinGen allele CA341851358.